The following is an entry in ClinVar:

ClinVar aggregate classification (germline): Uncertain significance (1 of 4 stars; one submission).

Conditions:
Lipoic acid synthetase deficiency. Also called: HYPERGLYCINEMIA, LACTIC ACIDOSIS, AND SEIZURES. Identifiers: Orphanet 401859, MedGen C3280887, MONDO:0013762, OMIM 614462.

Allele frequency attached by ClinVar (database versions not stated): gnomAD exomes below 0.00001; ExAC 0.00001; gnomAD 0.00001; 1000 Genomes Project 30x 0.00016; 1000 Genomes Project 0.00020.
gnomAD v4.1: 2 of 1,575,166 alleles (0.00013%); highest among the groups gnomAD compares: Admixed American, 0.004%; no homozygotes.

Submission:

Labcorp Genetics (formerly Invitae), Labcorp
Classification: Uncertain significance for Lipoic acid synthetase deficiency. Last evaluated: 2022-05-13. Review status: criteria provided, single submitter. Criteria: Invitae Variant Classification Sherloc (09022015). Collection method: clinical testing. Allele origin: germline.
Comment: This sequence change replaces tyrosine, which is neutral and polar, with histidine, which is basic and polar, at codon 20 of the LIAS protein (p.Tyr20His). In summary, the available evidence is currently insufficient to determine the role of this variant in disease. Therefore, it has been classified as a Variant of Uncertain Significance. Algorithms developed to predict the effect of missense changes on protein structure and function (SIFT, PolyPhen-2, Align-GVGD) all suggest that this variant is likely to be tolerated. This variant has not been reported in the literature in individuals affected with LIAS-related conditions. This variant is present in population databases (rs539841597, gnomAD 0.004%).

NM_006859.4(LIAS):c.58T>C (p.Tyr20His)

Gene: LIAS (lipoic acid synthetase; plus strand). Cytogenetic location: 4p14.
Variant type: single nucleotide variant.
Coding change: c.58T>C on transcript NM_006859.4 (MANE Select); coding-DNA position 58, T replaced by C.
Protein change: p.Tyr20His; replaces tyrosine 20 with histidine.
Molecular consequence: missense variant.
Genome position (GRCh38, 1-based): chr4:39,460,802, T>C. VCF-style: chr4-39460802-T-C. GRCh37 (hg19) VCF-style: chr4-39462422-T-C.
Other names: c.58T>C, p.Tyr20His (NM_001278590.2, NM_001278591.2, NM_001278592.2 and 2 more transcripts); short protein forms Y20H.
Identifiers: ClinVar variation 2157442 (VCV002157442.4), dbSNP rs539841597, ClinGen allele CA2894569.